The following is an entry in ClinVar:

ClinVar aggregate classification (germline): Uncertain significance. Review status: criteria provided, multiple submitters, no conflicts (2 of 4 stars). 5 submissions from 5 submitters: Uncertain significance (4). 1 of the submissions does not count toward it. Last evaluated 2025-01-13.

Conditions:
Fanconi anemia (FA). Also called: Fanconi's anemia. Identifiers: Orphanet 84, MedGen C0015625, MeSH D005199, MONDO:0019391.
Fanconi anemia complementation group I (FANCI). Also called: FANCI-Related Fanconi Anemia. Identifiers: Orphanet 84, MedGen C1836861, MONDO:0012186, OMIM 609053.

Allele frequency attached by ClinVar (database versions not stated): gnomAD exomes 0.00012 and 0.00024; ExAC 0.00013; TOPMed 0.00017; gnomAD 0.00018 and 0.00019; ESP Exome Variant Server 0.00023.
gnomAD v4.1: 376 of 1,614,002 alleles (0.023%); highest among the groups gnomAD compares: Non-Finnish European, 0.03%; no homozygotes.

Submissions (5):

Labcorp Genetics (formerly Invitae), Labcorp
Classification: Uncertain significance for Fanconi anemia. Last evaluated: 2025-01-13. Review status: criteria provided, single submitter. Criteria: Invitae Variant Classification Sherloc (09022015). Collection method: clinical testing. Allele origin: germline.
Comment: This sequence change replaces glycine, which is neutral and non-polar, with arginine, which is basic and polar, at codon 422 of the FANCI protein (p.Gly422Arg). This variant is present in population databases (rs146040966, gnomAD 0.02%). This missense change has been observed in individual(s) with Fanconi anemia (PMID: 17452773, 23613520). ClinVar contains an entry for this variant (Variation ID: 408241). Invitae Evidence Modeling of protein sequence and biophysical properties (such as structural, functional, and spatial information, amino acid conservation, physicochemical variation, residue mobility, and thermodynamic stability) indicates that this missense variant is expected to disrupt FANCI protein function with a positive predictive value of 80%. Algorithms developed to predict the effect of sequence changes on RNA splicing suggest that this variant may disrupt the consensus splice site. In summary, the available evidence is currently insufficient to determine the role of this variant in disease. Therefore, it has been classified as a Variant of Uncertain Significance.

Fulgent Genetics
Classification: Uncertain significance for Fanconi anemia complementation group I. Last evaluated: 2024-03-20. Review status: criteria provided, single submitter. Criteria: ACMG Guidelines, 2015. Collection method: clinical testing. Allele origin: germline.

Blueprint Genetics
Classification: Uncertain significance. Last evaluated: 2021-09-23. Review status: criteria provided, single submitter. Criteria: ACMG Guidelines, 2015. Collection method: clinical testing. Allele origin: germline.

Baylor Genetics
Classification: Uncertain significance for Fanconi anemia complementation group I. Last evaluated: 2019-07-09. Review status: criteria provided, single submitter. Criteria: ACMG Guidelines, 2015. Collection method: clinical testing. Allele origin: unknown. Affected: yes. Study: CSER-TexasKidsCanSeq.
Comment: This variant was determined to be of uncertain significance according to ACMG Guidelines, 2015 [PMID:25741868].

Leiden Open Variation Database
Classification: Uncertain significance for Fanconi anemia complementation group I. Last evaluated: 2013-10-04. Review status: no assertion criteria provided. Collection method: curation. Allele origin: germline. Affected: yes. Not counted in ClinVar's aggregate classification.
Comment: Curator: Arleen D. Auerbach. Submitter to LOVD: Arleen D. Auerbach.

Literature cited by the submitters: PubMed 17452773 (cited by Labcorp Genetics (formerly Invitae), Labcorp); PubMed 23613520 (cited by Labcorp Genetics (formerly Invitae), Labcorp and Leiden Open Variation Database).

NM_001113378.2(FANCI):c.1264G>A (p.Gly422Arg)

Gene: FANCI (FA complementation group I; plus strand). Cytogenetic location: 15q26.1.
Variant type: single nucleotide variant.
Coding change: c.1264G>A on transcript NM_001113378.2 (MANE Select); coding-DNA position 1264, G replaced by A.
Protein change: p.Gly422Arg; replaces glycine 422 with arginine.
Molecular consequence: missense variant.
Genome position (GRCh38, 1-based): chr15:89,276,862, G>A. VCF-style: chr15-89276862-G-A. GRCh37 (hg19) VCF-style: chr15-89820093-G-A.
Other names: c.985G>A, p.Gly329Arg (NM_001376910.1); c.1264G>A, p.Gly422Arg (NM_001376911.1, NM_018193.3); short protein forms G422R, G329R.
Identifiers: ClinVar variation 408241 (VCV000408241.13), dbSNP rs146040966, ClinGen allele CA7722957.